The following is an entry in ClinVar:

NM_138295.5(PKD1L1):c.4217C>T (p.Ser1406Leu)

Gene: PKD1L1 (polycystin 1 like 1, transient receptor potential channel interacting; minus strand). Cytogenetic location: 7p12.3.
Variant type: single nucleotide variant.
Coding change: c.4217C>T on transcript NM_138295.5 (MANE Select); coding-DNA position 4217, C replaced by T.
Protein change: p.Ser1406Leu; replaces serine 1406 with leucine.
Molecular consequence: missense variant.
Genome position (GRCh38, 1-based): chr7:47,858,818, G>A on the plus strand (C>T on the coding strand, the complement: PKD1L1 is on the minus strand). VCF-style: chr7-47858818-G-A. GRCh37 (hg19) VCF-style: chr7-47898416-G-A.
Other names: short protein forms S1406L.
Identifiers: ClinVar variation 3889324 (VCV003889324.2).

ClinVar aggregate classification (germline): Uncertain significance. Review status: criteria provided, multiple submitters, no conflicts (2 of 4 stars). 2 submissions from 2 submitters: Uncertain significance (2). Last evaluated 2026-06-13.

Conditions:
PKD1L1-related disorder. Also called: PKD1L1-related condition.
Inborn genetic diseases. Identifiers: MedGen C0950123, MeSH D030342.

gnomAD v4.1: 15 of 1,614,022 alleles (0.00093%); highest among the groups gnomAD compares: Admixed American, 0.0067%; no homozygotes.

Submissions (2):

PreventionGenetics, part of Exact Sciences
Classification: Uncertain significance for PKD1L1-related condition. Last evaluated: 2026-06-13. Review status: criteria provided, single submitter. Criteria: ACMG Guidelines, 2015. Collection method: clinical testing. Allele origin: germline.
Comment: The PKD1L1 c.4217C>T variant is predicted to result in the amino acid substitution p.Ser1406Leu. To our knowledge, this variant has not been reported in the literature. This variant is reported in 0.012% of alleles in individuals of Latino descent in gnomAD. At this time, the clinical significance of this variant is uncertain due to the absence of conclusive functional and genetic evidence.

Ambry Genetics
Classification: Uncertain significance for Inborn genetic diseases. Last evaluated: 2025-01-08. Review status: criteria provided, single submitter. Criteria: Ambry Variant Classification Scheme 2023. Collection method: clinical testing. Allele origin: germline.